The following is an entry in ClinVar:

ClinVar aggregate classification (germline): Likely benign. Review status: reviewed by expert panel (3 of 4 stars). 21 submissions from 21 submitters: Likely benign (1). 20 of the submissions do not count toward it. Last evaluated 2017-06-29.

Conditions:
Inherited breast cancer and ovarian cancer.
BRCA1-related disorder. Also called: BRCA1-related condition.
Hereditary cancer-predisposing syndrome. Also called: Hereditary Cancer Syndrome; Neoplastic Syndromes, Hereditary; Hereditary neoplastic syndrome; Tumor predisposition. Identifiers: Orphanet 140162, MedGen C0027672, MeSH D009386, MONDO:0015356.
Hereditary breast ovarian cancer syndrome. Also called: Breast and ovarian cancer; Hereditary breast and ovarian cancer syndrome; Hereditary breast and ovarian cancer syndrome (HBOC); BRCA1- and BRCA2-Associated Hereditary Breast and Ovarian Cancer; Hereditary breast and ovarian cancer; Hereditary breast and/or ovarian cancer syndrome. Identifiers: Orphanet 145, MedGen C0677776, MeSH D061325, MONDO:0003582. Disease mechanism: loss of function.
Breast-ovarian cancer, familial, susceptibility to, 1 (BROVCA1). Also called: BRCA1 Hereditary Breast and Ovarian Cancer; OVARIAN CANCER, SUSCEPTIBILITY TO. Identifiers: Orphanet 145, MedGen C2676676, MONDO:0011450, OMIM 604370. Disease mechanism: loss of function.
Malignant tumor of breast. Also called: Malignant breast neoplasm; Cancer breast. Identifiers: MedGen C0006142, MONDO:0007254. Disease mechanism: loss of function.

Allele frequency attached by ClinVar (database versions not stated): ExAC 0.00004; gnomAD exomes 0.00007 and 0.00011; TOPMed 0.00009; gnomAD 0.00011 and 0.00009.
gnomAD v4.1: 176 of 1,612,652 alleles (0.011%); highest among the groups gnomAD compares: Middle Eastern, 0.066%; no homozygotes.

Submissions 1 to 13 of 21:

Evidence-based Network for the Interpretation of Germline Mutant Alleles (ENIGMA)
Classification: Likely benign for Breast-ovarian cancer, familial, susceptibility to, 1. Last evaluated: 2017-06-29. Review status: reviewed by expert panel. Criteria: ENIGMA BRCA1/2 Classification Criteria (2017-06-29). Collection method: curation. Allele origin: germline.
Comment: Synonymous substitution variant, with low bioinformatic likelihood to result in a splicing aberration (Splicing prior probability 0.02).

Cambridge Genomics Laboratory, East Genomic Laboratory Hub, NHS Genomic Medicine Service
Classification: Benign for Inherited breast cancer and ovarian cancer. Last evaluated: 2026-11-11. Review status: criteria provided, single submitter. Criteria: ACGS Best Practice Guidelines for Variant Classification in Rare Disease 2020. Collection method: clinical testing. Allele origin: germline. Affected: yes. Not counted in ClinVar's aggregate classification.
Comment: BS1_Strong,BP5_Very Strong

Labcorp Genetics (formerly Invitae), Labcorp
Classification: Benign for Hereditary breast ovarian cancer syndrome. Last evaluated: 2026-01-28. Review status: criteria provided, single submitter. Criteria: Invitae Variant Classification Sherloc (09022015). Collection method: clinical testing. Allele origin: germline. Not counted in ClinVar's aggregate classification.

GeneDx
Classification: Uncertain significance. Last evaluated: 2025-04-30. Review status: criteria provided, single submitter. Criteria: GeneDx Variant Classification Process June 2021. Collection method: clinical testing. Allele origin: germline. Affected: yes. Not counted in ClinVar's aggregate classification.
Comment: Also known as 812G>A; This variant is associated with the following publications: (PMID: 24569164, 19370767, 26913838, 30287823, 25056543, 20104584, 21638052, 12890739, 16835750, 21702907, 28726806, 22615956, 31422574, 34597585, 32467295, 35402282, 35477782, 22817731, 29884841, 31131967, 36243179, 30702160)

Center for Genomic Medicine, Rigshospitalet, Copenhagen University Hospital
Classification: Likely benign. Last evaluated: 2025-03-04. Review status: criteria provided, single submitter. Criteria: ACMG Guidelines, 2015. Collection method: clinical testing. Allele origin: germline. Not counted in ClinVar's aggregate classification.

Quest Diagnostics Nichols Institute San Juan Capistrano
Classification: Likely benign. Last evaluated: 2025-01-02. Review status: criteria provided, single submitter. Criteria: Quest Diagnostics criteria. Collection method: clinical testing. Allele origin: unknown. Not counted in ClinVar's aggregate classification.

Blueprint Genetics
Classification: Likely benign. Last evaluated: 2024-10-04. Review status: criteria provided, single submitter. Criteria: ACMG Guidelines, 2015. Collection method: clinical testing. Allele origin: germline. Not counted in ClinVar's aggregate classification.

ARUP Laboratories, Molecular Genetics and Genomics, ARUP Laboratories
Classification: Likely benign. Last evaluated: 2023-12-19. Review status: criteria provided, single submitter. Criteria: ARUP Molecular Germline Variant Investigation Process 2024. Collection method: clinical testing. Allele origin: germline. Not counted in ClinVar's aggregate classification.

KCCC/NGS Laboratory, Kuwait Cancer Control Center
Classification: Likely benign for Breast-ovarian cancer, familial, susceptibility to, 1. Last evaluated: 2023-07-07. Review status: criteria provided, single submitter. Criteria: ACMG Guidelines, 2015. Collection method: clinical testing. Allele origin: germline. Affected: yes. Not counted in ClinVar's aggregate classification.

Institute for Biomarker Research, Medical Diagnostic Laboratories, L.L.C.
Classification: Likely benign for Hereditary breast ovarian cancer syndrome. Last evaluated: 2023-05-16. Review status: criteria provided, single submitter. Criteria: ACMG Guidelines, 2015. Collection method: clinical testing. Allele origin: germline. Not counted in ClinVar's aggregate classification.

CeGaT Center for Human Genetics Tuebingen
Classification: Likely benign. Last evaluated: 2023-04-01. Review status: criteria provided, single submitter. Criteria: CeGaT Center For Human Genetics Tuebingen Variant Classification Criteria Version 2. Collection method: clinical testing. Allele origin: germline. Affected: yes. Observed: 3 variant alleles. Not counted in ClinVar's aggregate classification.
Comment: BRCA1: BP4, BP7

Ambry Genetics
Classification: Likely benign for Hereditary cancer-predisposing syndrome. Last evaluated: 2022-03-23. Review status: criteria provided, single submitter. Criteria: Ambry Variant Classification Scheme 2023. Collection method: clinical testing. Allele origin: germline. Not counted in ClinVar's aggregate classification.

Sema4
Classification: Uncertain significance for Hereditary cancer-predisposing syndrome. Last evaluated: 2021-08-23. Review status: criteria provided, single submitter. Criteria: Sema4 Curation Guidelines. Collection method: curation. Allele origin: germline. Not counted in ClinVar's aggregate classification.
Comment: The BRCA1 c.693G>A (p.T231=) variant has been reported in individuals with breast and/or ovarian cancer (PMID: 21638052, 20104584, 25056543, 30287823). However, it was also observed in controls (PMID: 30287823). Furthermore, a breast cancer case-control study in Japanese individuals did not show an association of the variant with the disease (PMID: 30287823). The variant was observed in 14/127366 chromosomes of the Non-Finnish European subpopulation in the large and broad cohorts of the Genome Aggregation Database (PMID: 32461654). The variant has been reported in ClinVar (Variation ID 55670). This variant was demonstrated to result in partial exon 11 skipping in patient-derived RNA by RT-PCR and mini-gene assays, however, the clinical relevance of elevated exon 11 skipping is unclear. The skipping of exon 11 is an in-frame present in multiple tissues from control individuals (PMID: 21638052, 22615956, 25056543). The evidence is insufficient to meet ACMG/AMP criteria for classifying the variant as benign or pathogenic. Thus, the clinical significance of this variant is currently uncertain.

NM_007294.4(BRCA1):c.693G>A (p.Thr231=)

Gene: BRCA1 (BRCA1 DNA repair associated; minus strand). Cytogenetic location: 17q21.31.
Variant type: single nucleotide variant.
Coding change: c.693G>A on transcript NM_007294.4 (MANE Select); coding-DNA position 693, G replaced by A.
Protein change: p.Thr231=; no amino-acid change (threonine 231 retained).
Molecular consequence: synonymous variant. On other transcripts: 5 prime UTR variant (2), intron variant (13).
Genome position (GRCh38, 1-based): chr17:43,094,838, C>T on the plus strand (G>A on the coding strand, the complement: BRCA1 is on the minus strand). VCF-style: chr17-43094838-C-T. GRCh37 (hg19) VCF-style: chr17-41246855-C-T.
Other names: T231T; p.T231T:ACG>ACA; 812G>A; c.483G>A, p.Thr161= (NM_001407886.1, NM_001407887.1, NM_001407889.1 and 25 more transcripts); c.480G>A, p.Thr160= (NM_001407894.1, NM_001407895.1, NM_001407896.1 and 12 more transcripts); c.570G>A, p.Thr190= (NM_001407919.1, NM_001407937.1, NM_001407938.1 and 34 more transcripts); c.429G>A, p.Thr143= (NM_001407920.1, NM_001407921.1, NM_001407922.1 and 15 more transcripts); c.426G>A, p.Thr142= (NM_001407930.1, NM_001407931.1, NM_001407932.1 and 5 more transcripts); and 23 more.
Identifiers: ClinVar variation 55670 (VCV000055670.86), dbSNP rs62625298, ClinGen allele CA003817.
Genomic context (GRCh38, chr17:43,094,838, plus strand): 5'-CTTCTCAGTGGTGTTCAAATCATTATTACTGGGTTGATGATGTTCAGTATTTGTTACATC[C>T]GTCTCAGAAAATTCACAAGCAGCTGAAAATATACAAAAATAACAAGGTACTCAAAAACTG-3'
Protein context (NP_009225.1, residues 221-241): AKKAACEFSE[Thr231=]DVTNTEHHQP